The following is an entry in ClinVar:

ClinVar aggregate classification (germline): Benign. Review status: criteria provided, multiple submitters, no conflicts (2 of 4 stars). 2 submissions from 2 submitters: Benign (2). Last evaluated 2018-06-18.

Allele frequency attached by ClinVar (database versions not stated): gnomAD 0.37510 and 0.38235; TOPMed 0.38729; 1000 Genomes Project 30x 0.39663; 1000 Genomes Project 0.40136.
gnomAD v4.1: 57,431 of 150,030 alleles (38%); highest among the groups gnomAD compares: Admixed American, 56%; 11,907 homozygotes.

Submissions (2):

GeneDx
Classification: Benign. Last evaluated: 2018-06-18. Review status: criteria provided, single submitter. Criteria: GeneDx Variant Classification (06012015). Collection method: clinical testing. Allele origin: germline. Affected: yes.
Comment: This variant is considered likely benign or benign based on one or more of the following criteria: it is a conservative change, it occurs at a poorly conserved position in the protein, it is predicted to be benign by multiple in silico algorithms, and/or has population frequency not consistent with disease.

Breakthrough Genomics
Classification: Benign. Review status: criteria provided, single submitter. Criteria: ACMG Guidelines, 2015. Collection method: not provided. Allele origin: germline. Inheritance: Autosomal dominant inheritance. Affected: yes.

NM_000093.5(COL5A1):c.655-320G>A

Gene: COL5A1 (collagen type V alpha 1 chain; plus strand). Cytogenetic location: 9q34.3.
Variant type: single nucleotide variant.
Coding change: c.655-320G>A on transcript NM_000093.5 (MANE Select); 320 bases into the intron before coding-DNA position 655, G replaced by A.
Molecular consequence: intron variant.
Genome position (GRCh38, 1-based): chr9:134,726,946, G>A. VCF-style: chr9-134726946-G-A. GRCh37 (hg19) VCF-style: chr9-137618792-G-A.
Other names: c.655-320G>A (NM_001278074.1).
Identifiers: ClinVar variation 683371 (VCV000683371.2), dbSNP rs62571354, ClinGen allele CA12975110.
Genomic context (GRCh38, chr9:134,726,946, plus strand): 5'-AATGGATGGATAGATGGATGGATGGGTGGATGGGTGAATGGGTGGGTGAATGGATGGAAG[G>A]ACTGGTAGATGTAGATGGATAGGTGGATAGATGGGTGAATGGATGAACGAATGAGTGGAT-3'